The following is an entry in ClinVar:

ClinVar aggregate classification (germline): Uncertain significance. Review status: criteria provided, multiple submitters, no conflicts (2 of 4 stars). 4 submissions from 4 submitters: Uncertain significance (4). Last evaluated 2026-01-19.

Conditions:
Meckel syndrome, type 11 (MKS11). Identifiers: Orphanet 564, MedGen C3809352, MONDO:0014164, OMIM 615397.
Joubert syndrome 20 (JBTS20). Identifiers: Orphanet 475, MedGen C3554235, MONDO:0013994, OMIM 614970.

Allele frequency attached by ClinVar (database versions not stated): gnomAD 0.00001 and 0.00003; TOPMed 0.00001; ExAC 0.00009.
gnomAD v4.1: 65 of 1,604,176 alleles (0.0041%); highest among the groups gnomAD compares: Middle Eastern, 0.05%; 1 homozygote.

Submissions (4):

Labcorp Genetics (formerly Invitae), Labcorp
Classification: Uncertain significance for Joubert syndrome 20; Meckel syndrome, type 11. Last evaluated: 2026-01-19. Review status: criteria provided, single submitter. Criteria: Invitae Variant Classification Sherloc (09022015). Collection method: clinical testing. Allele origin: germline.
Comment: This sequence change replaces proline, which is neutral and non-polar, with serine, which is neutral and polar, at codon 217 of the TMEM231 protein (p.Pro217Ser). This variant is present in population databases (rs778407563, gnomAD 0.03%). This variant has not been reported in the literature in individuals affected with TMEM231-related conditions. ClinVar contains an entry for this variant (Variation ID: 1417661). Experimental studies and prediction algorithms are not available or were not evaluated, and the functional significance of this variant is currently unknown. In summary, the available evidence is currently insufficient to determine the role of this variant in disease. Therefore, it has been classified as a Variant of Uncertain Significance.

GeneDx
Classification: Uncertain significance. Last evaluated: 2025-03-27. Review status: criteria provided, single submitter. Criteria: GeneDx Variant Classification Process June 2021. Collection method: clinical testing. Allele origin: germline. Affected: yes.
Comment: In silico analysis supports that this missense variant has a deleterious effect on protein structure/function; Has not been previously published as pathogenic or benign to our knowledge

Fulgent Genetics
Classification: Uncertain significance for Joubert syndrome 20; Meckel syndrome, type 11. Last evaluated: 2024-02-28. Review status: criteria provided, single submitter. Criteria: ACMG Guidelines, 2015. Collection method: clinical testing. Allele origin: germline.

Revvity Omics, Revvity
Classification: Uncertain significance. Last evaluated: 2021-06-14. Review status: criteria provided, single submitter. Criteria: ACMG Guidelines, 2015. Collection method: clinical testing. Allele origin: germline.

NM_001077418.3(TMEM231):c.490C>T (p.Pro164Ser)

Gene: TMEM231 (transmembrane protein 231; minus strand). Cytogenetic location: 16q23.1.
Variant type: single nucleotide variant.
Coding change: c.490C>T on transcript NM_001077418.3 (MANE Select); coding-DNA position 490, C replaced by T.
Protein change: p.Pro164Ser; replaces proline 164 with serine.
Molecular consequence: missense variant. On other transcripts: non-coding transcript variant (1).
Genome position (GRCh38, 1-based): chr16:75,545,444, G>A on the plus strand (C>T on the coding strand, the complement: TMEM231 is on the minus strand). VCF-style: chr16-75545444-G-A. GRCh37 (hg19) VCF-style: chr16-75579342-G-A.
Other names: c.649C>T, p.Pro217Ser (NM_001077416.2); short protein forms P164S, P217S.
Identifiers: ClinVar variation 1417661 (VCV001417661.12), dbSNP rs778407563, ClinGen allele CA8176174.